The following is an entry in ClinVar:

ClinVar aggregate classification (germline): Uncertain significance (1 of 4 stars; one submission).

Submission:

Labcorp Genetics (formerly Invitae), Labcorp
Classification: Uncertain significance. Last evaluated: 2024-10-26. Review status: criteria provided, single submitter. Criteria: Invitae Variant Classification Sherloc (09022015). Collection method: clinical testing. Allele origin: germline.
Comment: This sequence change replaces aspartic acid, which is acidic and polar, with tyrosine, which is neutral and polar, at codon 1597 of the USH2A protein (p.Asp1597Tyr). This variant is not present in population databases (gnomAD no frequency). This variant has not been reported in the literature in individuals affected with USH2A-related conditions. ClinVar contains an entry for this variant (Variation ID: 1351660). Invitae Evidence Modeling of protein sequence and biophysical properties (such as structural, functional, and spatial information, amino acid conservation, physicochemical variation, residue mobility, and thermodynamic stability) indicates that this missense variant is expected to disrupt USH2A protein function with a positive predictive value of 95%. In summary, the available evidence is currently insufficient to determine the role of this variant in disease. Therefore, it has been classified as a Variant of Uncertain Significance.

NM_206933.4(USH2A):c.4789G>T (p.Asp1597Tyr)

Gene: USH2A (usherin; minus strand). Cytogenetic location: 1q41.
Variant type: single nucleotide variant.
Coding change: c.4789G>T on transcript NM_206933.4 (MANE Select); coding-DNA position 4789, G replaced by T.
Protein change: p.Asp1597Tyr; replaces aspartic acid 1597 with tyrosine.
Molecular consequence: missense variant.
Genome position (GRCh38, 1-based): chr1:216,089,109, C>A on the plus strand (G>T on the coding strand, the complement: USH2A is on the minus strand). VCF-style: chr1-216089109-C-A. GRCh37 (hg19) VCF-style: chr1-216262451-C-A.
Other names: short protein forms D1597Y.
Identifiers: ClinVar variation 1351660 (VCV001351660.6), dbSNP rs2032224268, ClinGen allele CA344860804.